The following is an entry in ClinVar:

NM_000059.4(BRCA2):c.4183del (p.Ala1395fs)

Gene: BRCA2 (BRCA2 DNA repair associated; plus strand). Cytogenetic location: 13q13.1.
Variant type: Deletion.
Coding change: c.4183del on transcript NM_000059.4 (MANE Select); coding-DNA position 4183, one base deleted (G; older notation c.4183delG).
Protein change: p.Ala1395fs; shifts the reading frame from alanine 1395.
Molecular consequence: frameshift variant.
Genome position (GRCh38, 1-based): chr13:32,338,538, G deleted. VCF-style (leftmost placement, unchanged base first): chr13-32338537-AG-A. GRCh37 (hg19) VCF-style: chr13-32912674-AG-A.
Other names: short protein forms A1395fs.
Identifiers: ClinVar variation 954626 (VCV000954626.8), dbSNP rs2072498350, ClinGen allele CA1139663190.

ClinVar aggregate classification (germline): Pathogenic (1 of 4 stars; one submission).

Conditions:
Hereditary breast ovarian cancer syndrome. Also called: Hereditary breast and ovarian cancer; Hereditary breast and/or ovarian cancer syndrome; Hereditary breast and ovarian cancer syndrome; Hereditary breast and ovarian cancer syndrome (HBOC); Breast and ovarian cancer; BRCA1- and BRCA2-Associated Hereditary Breast and Ovarian Cancer. Identifiers: Orphanet 145, MedGen C0677776, MeSH D061325, MONDO:0003582. Disease mechanism: loss of function.

Submission:

Labcorp Genetics (formerly Invitae), Labcorp
Classification: Pathogenic for Hereditary breast ovarian cancer syndrome. Last evaluated: 2022-10-17. Review status: criteria provided, single submitter. Criteria: Invitae Variant Classification Sherloc (09022015). Collection method: clinical testing. Allele origin: germline.
Comment: This sequence change creates a premature translational stop signal (p.Ala1395Leufs*15) in the BRCA2 gene. It is expected to result in an absent or disrupted protein product. Loss-of-function variants in BRCA2 are known to be pathogenic (PMID: 20104584). This variant is not present in population databases (gnomAD no frequency). This variant has not been reported in the literature in individuals affected with BRCA2-related conditions. ClinVar contains an entry for this variant (Variation ID: 954626). For these reasons, this variant has been classified as Pathogenic.

Literature cited by the submitters: PubMed 20104584.